The following is an entry in ClinVar:

ClinVar aggregate classification (germline): Uncertain significance (1 of 4 stars; one submission).

Submission:

Ambry Genetics
Classification: Uncertain significance. Last evaluated: 2026-06-17. Review status: criteria provided, single submitter. Criteria: Ambry Variant Classification Scheme 2023. Collection method: clinical testing. Allele origin: germline.
Comment: The c.565G>A (p.V189M) alteration is located in exon 5 (coding exon 5) of the AWAT1 gene. This alteration results from a G to A substitution at nucleotide position 565, causing the valine (V) at amino acid position 189 to be replaced by a methionine (M). Based on data from gnomAD, the A allele has an overall frequency of <0.001% (1/182218) total alleles studied. The highest observed frequency was 0.004% (1/27294) of Latino alleles. Based on insufficient or conflicting evidence, the clinical significance of this alteration remains unclear.

NM_001013579.3(AWAT1):c.565G>A (p.Val189Met)

Gene: AWAT1 (acyl-CoA wax alcohol acyltransferase 1; plus strand). Cytogenetic location: Xq13.1.
Variant type: single nucleotide variant.
Coding change: c.565G>A on transcript NM_001013579.3 (MANE Select); coding-DNA position 565, G replaced by A.
Protein change: p.Val189Met; replaces valine 189 with methionine.
Molecular consequence: missense variant.
Genome position (GRCh38, 1-based): chrX:70,238,316, G>A. VCF-style: chrX-70238316-G-A. GRCh37 (hg19) VCF-style: chrX-69458166-G-A.
Other names: short protein forms V189M.
Identifiers: ClinVar variation 5032499 (VCV005032499.1).
Genomic context (GRCh38, chrX:70,238,316, plus strand): 5'-CATGGCACTGGCAACCTCGTGGGCATTGTAGTGGGAGGTGTGGGTGAGGCCCTGCAAAGT[G>A]TGCCCAACACCACCACCCTCATCCTCCAGAAGCGCAAGGGGTTCGTGCGCACAGCCCTCC-3'
Protein context (NP_001013597.1, residues 179-199): VGGVGEALQS[Val189Met]PNTTTLILQK